The following is an entry in ClinVar:

NM_001099667.3(ARMS2):c.298-13A>G

Genes: ARMS2 (age-related maculopathy susceptibility 2; plus strand), HTRA1-AS1 (HTRA1 and ARMS2 antisense RNA 1; minus strand). Cytogenetic location: 10q26.13.
Variant type: single nucleotide variant.
Coding change: c.298-13A>G on transcript NM_001099667.3 (MANE Select); 13 bases into the intron before coding-DNA position 298, A replaced by G.
Molecular consequence: intron variant.
Genome position (GRCh38, 1-based): chr10:122,456,894, A>G. VCF-style: chr10-122456894-A-G. GRCh37 (hg19) VCF-style: chr10-124216410-A-G.
Identifiers: ClinVar variation 299031 (VCV000299031.7), dbSNP rs7088128, ClinGen allele CA5725768.

ClinVar aggregate classification (germline): Benign/Likely benign. Review status: criteria provided, multiple submitters, no conflicts (2 of 4 stars). 2 submissions from 2 submitters: Benign (1); Likely benign (1). Last evaluated 2018-01-13.

Conditions:
Age related macular degeneration 8. Identifiers: MedGen C3151070, MONDO:0013416, OMIM 613778.

Allele frequency attached by ClinVar (database versions not stated): 1000 Genomes Project 0.09505; TOPMed 0.11321; ESP Exome Variant Server 0.12327.

Submissions (2):

Illumina Laboratory Services, Illumina
Classification: Benign for Age related macular degeneration 8. Last evaluated: 2018-01-13. Review status: criteria provided, single submitter. Criteria: ICSL Variant Classification Criteria 13 December 2019. Collection method: clinical testing. Allele origin: germline.
Comment: This variant was observed in the ICSL laboratory as part of a predisposition screen in an ostensibly healthy population. It had not been previously curated by ICSL or reported in the Human Gene Mutation Database (HGMD: prior to June 1st, 2018), and was therefore a candidate for classification through an automated scoring system. Utilizing variant allele frequency, disease prevalence and penetrance estimates, and inheritance mode, an automated score was calculated to assess if this variant is too frequent to cause the disease. Based on the score and internal cut-off values, a variant classified as benign is not then subjected to further curation. The score for this variant resulted in a classification of benign for this disease.

Breakthrough Genomics
Classification: Likely benign. Review status: criteria provided, single submitter. Criteria: ACMG Guidelines, 2015. Collection method: not provided. Allele origin: germline. Inheritance: Unknown mechanism. Affected: yes.